The following is an entry in ClinVar:

NM_018419.3(SOX18):c.286G>A (p.Ala96Thr)

Gene: SOX18 (SRY-box transcription factor 18; minus strand). Cytogenetic location: 20q13.33.
Variant type: single nucleotide variant.
Coding change: c.286G>A on transcript NM_018419.3 (MANE Select); coding-DNA position 286, G replaced by A.
Protein change: p.Ala96Thr; replaces alanine 96 with threonine.
Molecular consequence: missense variant.
Genome position (GRCh38, 1-based): chr20:64,049,231, C>T on the plus strand (G>A on the coding strand, the complement: SOX18 is on the minus strand). VCF-style: chr20-64049231-C-T. GRCh37 (hg19) VCF-style: chr20-62680584-C-T.
Other names: short protein forms A96T.
Identifiers: ClinVar variation 3671868 (VCV003671868.2).
Genomic context (GRCh38, chr20:64,049,231, plus strand): 5'-TGAGCACCGCGTTGTGCAGGTCCGGGTTCTGCTGAGCCAGCCGCTTGCGCTCGTCCTTTG[C>T]CCACACCATGAAGGCGTTCATGGGCCGCCGGATGCGCGACTCGTCTGCCGCCTGGCGTTC-3'
Protein context (NP_060889.1, residues 86-106): RRPMNAFMVW[Ala96Thr]KDERKRLAQQ

ClinVar aggregate classification (germline): Uncertain significance (1 of 4 stars; one submission).

Submission:

Labcorp Genetics (formerly Invitae), Labcorp
Classification: Uncertain significance. Last evaluated: 2024-03-13. Review status: criteria provided, single submitter. Criteria: Invitae Variant Classification Sherloc (09022015). Collection method: clinical testing. Allele origin: germline.
Comment: This sequence change replaces alanine, which is neutral and non-polar, with threonine, which is neutral and polar, at codon 96 of the SOX18 protein (p.Ala96Thr). This variant is not present in population databases (gnomAD no frequency). This variant has not been reported in the literature in individuals affected with SOX18-related conditions. Advanced modeling of protein sequence and biophysical properties (such as structural, functional, and spatial information, amino acid conservation, physicochemical variation, residue mobility, and thermodynamic stability) performed at Invitae indicates that this missense variant is not expected to disrupt SOX18 protein function with a negative predictive value of 80%. In summary, the available evidence is currently insufficient to determine the role of this variant in disease. Therefore, it has been classified as a Variant of Uncertain Significance.